The following is an entry in ClinVar:

NM_003000.3(SDHB):c.455C>A (p.Ser152Tyr)

Gene: SDHB (succinate dehydrogenase complex iron sulfur subunit B; minus strand). Cytogenetic location: 1p36.13.
Variant type: single nucleotide variant.
Coding change: c.455C>A on transcript NM_003000.3 (MANE Select); coding-DNA position 455, C replaced by A.
Protein change: p.Ser152Tyr; replaces serine 152 with tyrosine.
Molecular consequence: missense variant.
Genome position (GRCh38, 1-based): chr1:17,027,834, G>T on the plus strand (C>A on the coding strand, the complement: SDHB is on the minus strand). VCF-style: chr1-17027834-G-T. GRCh37 (hg19) VCF-style: chr1-17354329-G-T.
Other names: short protein forms S152Y.
Identifiers: ClinVar variation 1392395 (VCV001392395.5), dbSNP rs200414835, ClinGen allele CA338273140.

ClinVar aggregate classification (germline): Uncertain significance (1 of 4 stars; one submission).

Conditions:
Pheochromocytoma. Also called: MAX-Related Hereditary Paraganglioma-Pheochromocytoma Syndrome. Identifiers: Orphanet 29072, MedGen C0031511, MONDO:0008233, OMIM 171300, HP:0002666.
Pheochromocytoma/paraganglioma syndrome 4. Also called: CAROTID BODY TUMORS AND MULTIPLE EXTRAADRENAL PHEOCHROMOCYTOMAS; PARAGANGLIOMA, FAMILIAL MALIGNANT; PARAGANGLIOMAS, HEREDITARY EXTRAADRENAL; PHEOCHROMOCYTOMA, FAMILIAL EXTRAADRENAL; Paragangliomas 4; SDHB-Related Hereditary Paraganglioma-Pheochromocytoma Syndrome (Paragangliomas 4). Identifiers: Orphanet 29072, MedGen C1861848, MONDO:0007273, OMIM 115310.
Gastrointestinal stromal tumor. Also called: Gastrointestinal stroma tumor; Gastrointestinal stromal tumor, somatic. Identifiers: Orphanet 44890, MedGen C0238198, MeSH D046152, MONDO:0011719, OMIM 606764, HP:0100723.

Submission:

Labcorp Genetics (formerly Invitae), Labcorp
Classification: Uncertain significance for Gastrointestinal stromal tumor; Pheochromocytoma/paraganglioma syndrome 4; Pheochromocytoma. Last evaluated: 2023-07-15. Review status: criteria provided, single submitter. Criteria: Invitae Variant Classification Sherloc (09022015). Collection method: clinical testing. Allele origin: germline.
Comment: In summary, the available evidence is currently insufficient to determine the role of this variant in disease. Therefore, it has been classified as a Variant of Uncertain Significance. Advanced modeling of protein sequence and biophysical properties (such as structural, functional, and spatial information, amino acid conservation, physicochemical variation, residue mobility, and thermodynamic stability) performed at Invitae indicates that this missense variant is not expected to disrupt SDHB protein function. ClinVar contains an entry for this variant (Variation ID: 1392395). This variant has not been reported in the literature in individuals affected with SDHB-related conditions. This variant is not present in population databases (gnomAD no frequency). This sequence change replaces serine, which is neutral and polar, with tyrosine, which is neutral and polar, at codon 152 of the SDHB protein (p.Ser152Tyr).